The following is an entry in ClinVar:

ClinVar aggregate classification (germline): Uncertain significance (0 of 4 stars; one submission).

Conditions:
SOX11-related disorder. Also called: SOX11-related condition.

Submission:

PreventionGenetics, part of Exact Sciences
Classification: Uncertain significance for SOX11-related condition. Last evaluated: 2024-08-14. Review status: no assertion criteria provided. Collection method: clinical testing. Allele origin: germline.
Comment: The SOX11 c.860C>G variant is predicted to result in the amino acid substitution p.Ser287Cys. To our knowledge, this variant has not been reported in the literature or in a large population database, indicating this variant is rare. At this time, the clinical significance of this variant is uncertain due to the absence of conclusive functional and genetic evidence.

NM_003108.4(SOX11):c.860C>G (p.Ser287Cys)

Gene: SOX11 (SRY-box transcription factor 11; plus strand). Cytogenetic location: 2p25.2.
Variant type: single nucleotide variant.
Coding change: c.860C>G on transcript NM_003108.4 (MANE Select); coding-DNA position 860, C replaced by G.
Protein change: p.Ser287Cys; replaces serine 287 with cysteine.
Molecular consequence: missense variant.
Genome position (GRCh38, 1-based): chr2:5,693,581, C>G. VCF-style: chr2-5693581-C-G. GRCh37 (hg19) VCF-style: chr2-5833713-C-G.
Other names: short protein forms S287C.
Identifiers: ClinVar variation 3350084 (VCV003350084.1).